The following is an entry in ClinVar:

NM_005188.4(CBL):c.727A>T (p.Ile243Phe)

Gene: CBL (Cbl proto-oncogene; plus strand). Cytogenetic location: 11q23.3.
Variant type: single nucleotide variant.
Coding change: c.727A>T on transcript NM_005188.4 (MANE Select); coding-DNA position 727, A replaced by T.
Protein change: p.Ile243Phe; replaces isoleucine 243 with phenylalanine.
Molecular consequence: missense variant.
Genome position (GRCh38, 1-based): chr11:119,274,004, A>T. VCF-style: chr11-119274004-A-T. GRCh37 (hg19) VCF-style: chr11-119144714-A-T.
Other names: short protein forms I243F.
Identifiers: ClinVar variation 1720497 (VCV001720497.5), dbSNP rs2135299084, ClinGen allele CA382909794.
Genomic context (GRCh38, chr11:119,274,004, plus strand): 5'-GCTCTGAAATCCACTATTGATCTGACCTGCAATGATTATATTTCGGTTTTTGAATTTGAC[A>T]TCTTTACCCGACTCTTTCAGGTAGGACACTAAAAAAGTTGACTAAACTGGTTACTGCTAC-3'
Protein context (NP_005179.2, residues 233-253): NDYISVFEFD[Ile243Phe]FTRLFQPWSS

ClinVar aggregate classification (germline): Uncertain significance (1 of 4 stars; one submission).

Conditions:
RASopathy. Also called: rasopathies; Noonan spectrum disorder. Identifiers: Orphanet 536391, MedGen C5555857, MONDO:0021060.

Submission:

Labcorp Genetics (formerly Invitae), Labcorp
Classification: Uncertain significance for RASopathy. Last evaluated: 2023-05-15. Review status: criteria provided, single submitter. Criteria: Invitae Variant Classification Sherloc (09022015). Collection method: clinical testing. Allele origin: germline.
Comment: In summary, the available evidence is currently insufficient to determine the role of this variant in disease. Therefore, it has been classified as a Variant of Uncertain Significance. Advanced modeling of protein sequence and biophysical properties (such as structural, functional, and spatial information, amino acid conservation, physicochemical variation, residue mobility, and thermodynamic stability) has been performed at Invitae for this missense variant, however the output from this modeling did not meet the statistical confidence thresholds required to predict the impact of this variant on CBL protein function. ClinVar contains an entry for this variant (Variation ID: 1720497). This variant has not been reported in the literature in individuals affected with CBL-related conditions. This variant is not present in population databases (gnomAD no frequency). This sequence change replaces isoleucine, which is neutral and non-polar, with phenylalanine, which is neutral and non-polar, at codon 243 of the CBL protein (p.Ile243Phe).